The following is an entry in ClinVar:

ClinVar aggregate classification (germline): Conflicting classifications of pathogenicity. Review status: criteria provided, conflicting classifications (1 of 4 stars). 4 submissions from 4 submitters: Uncertain significance (1); Benign (1). 2 of the submissions do not count toward it. Last evaluated 2026-01-26.

Conditions:
TET2-related disorder. Also called: TET2-related condition.

Allele frequency attached by ClinVar (database versions not stated): gnomAD exomes 0.00017 and 0.00038; ExAC 0.00040; ESP Exome Variant Server 0.00115; TOPMed 0.00175; gnomAD 0.00176 and 0.00188; 1000 Genomes Project 0.00200; 1000 Genomes Project 30x 0.00234.

Submissions (4):

Labcorp Genetics (formerly Invitae), Labcorp
Classification: Benign. Last evaluated: 2026-01-26. Review status: criteria provided, single submitter. Criteria: Invitae Variant Classification Sherloc (09022015). Collection method: clinical testing. Allele origin: germline.

GeneDx
Classification: Uncertain significance. Last evaluated: 2025-03-11. Review status: criteria provided, single submitter. Criteria: GeneDx Variant Classification Process June 2021. Collection method: clinical testing. Allele origin: germline. Affected: yes.
Comment: In silico analysis indicates that this variant does not alter splicing; Has not been previously published as pathogenic or benign to our knowledge; Reported using an alternate transcript of the gene

PreventionGenetics, part of Exact Sciences
Classification: Likely benign for TET2-related condition. Last evaluated: 2020-10-06. Review status: no assertion criteria provided. Collection method: clinical testing. Allele origin: germline. Not counted in ClinVar's aggregate classification.
Comment: This variant is classified as likely benign based on ACMG/AMP sequence variant interpretation guidelines (Richards et al. 2015 PMID: 25741868, with internal and published modifications).

ITMI
No classification provided. Condition: AllHighlyPenetrant. Last evaluated: 2013-09-19. Review status: no classification provided. Collection method: reference population. Allele origin: germline. Not counted in ClinVar's aggregate classification.
Comment: Please see associated publication for description of ethnicities

Literature cited by the submitters: PubMed 24728327 (cited by ITMI).

NM_001127208.3(TET2):c.3409+18A>G

Genes: TET2 (tet methylcytosine dioxygenase 2; plus strand), TET2-AS1 (TET2 antisense RNA 1; minus strand). Cytogenetic location: 4q24.
Variant type: single nucleotide variant.
Coding change: c.3409+18A>G on transcript NM_001127208.3 (MANE Select); 18 bases into the intron after coding-DNA position 3409, A replaced by G.
Molecular consequence: intron variant. On other transcripts: missense variant (1).
Genome position (GRCh38, 1-based): chr4:105,237,369, A>G. VCF-style: chr4-105237369-A-G. GRCh37 (hg19) VCF-style: chr4-106158526-A-G.
Other names: c.3427A>G, p.Thr1143Ala (NM_017628.4); short protein forms T1143A.
Identifiers: ClinVar variation 135326 (VCV000135326.9), dbSNP rs144467609, ClinGen allele CA162395.